The following is an entry in ClinVar:

NM_000059.4(BRCA2):c.4707C>A (p.Tyr1569Ter)

Gene: BRCA2 (BRCA2 DNA repair associated; plus strand). Cytogenetic location: 13q13.1.
Variant type: single nucleotide variant.
Coding change: c.4707C>A on transcript NM_000059.4 (MANE Select); coding-DNA position 4707, C replaced by A.
Protein change: p.Tyr1569Ter; replaces tyrosine 1569 with a stop codon.
Molecular consequence: nonsense.
Genome position (GRCh38, 1-based): chr13:32,339,062, C>A. VCF-style: chr13-32339062-C-A. GRCh37 (hg19) VCF-style: chr13-32913199-C-A.
Other names: short protein forms Y1569*.
Identifiers: ClinVar variation 236871 (VCV000236871.13), dbSNP rs878853585, ClinGen allele CA10583107.

ClinVar aggregate classification (germline): Pathogenic. Review status: reviewed by expert panel (3 of 4 stars). 5 submissions from 5 submitters: Pathogenic (1). 4 of the submissions do not count toward it. Last evaluated 2017-12-15.

Conditions:
Hereditary breast ovarian cancer syndrome. Also called: Hereditary breast and ovarian cancer; Breast and ovarian cancer; BRCA1- and BRCA2-Associated Hereditary Breast and Ovarian Cancer; Hereditary breast and ovarian cancer syndrome; Hereditary breast and ovarian cancer syndrome (HBOC); Hereditary breast and/or ovarian cancer syndrome. Identifiers: Orphanet 145, MedGen C0677776, MeSH D061325, MONDO:0003582. Disease mechanism: loss of function.
Hereditary cancer-predisposing syndrome. Also called: Tumor predisposition; Hereditary Cancer Syndrome; Hereditary neoplastic syndrome; Neoplastic Syndromes, Hereditary. Identifiers: Orphanet 140162, MedGen C0027672, MeSH D009386, MONDO:0015356.
Breast-ovarian cancer, familial, susceptibility to, 2 (BROVCA2). Also called: BRCA2 Hereditary Breast and Ovarian Cancer. Identifiers: Orphanet 145, MedGen C2675520, MONDO:0012933, OMIM 612555. Disease mechanism: loss of function.

Submissions (5):

Evidence-based Network for the Interpretation of Germline Mutant Alleles (ENIGMA)
Classification: Pathogenic for Breast-ovarian cancer, familial, susceptibility to, 2. Last evaluated: 2017-12-15. Review status: reviewed by expert panel. Criteria: ENIGMA BRCA1/2 Classification Criteria (2017-06-29). Collection method: curation. Allele origin: germline. Study: ENIGMA.
Comment: Variant allele predicted to encode a truncated non-functional protein.

Women's Health and Genetics/Laboratory Corporation of America, LabCorp
Classification: Pathogenic for Hereditary breast ovarian cancer syndrome. Last evaluated: 2026-01-04. Review status: criteria provided, single submitter. Criteria: LabCorp Variant Classification Summary - May 2015. Collection method: clinical testing. Allele origin: germline. Not counted in ClinVar's aggregate classification.
Comment: Variant summary: BRCA2 c.4707C>A (p.Tyr1569X) results in a premature termination codon, predicted to cause a truncation of the encoded protein or absence of the protein due to nonsense mediated decay, which are commonly known mechanisms for disease. The variant was absent in 251104 control chromosomes. c.4707C>A has been observed in individual(s) affected with Hereditary Breast And Ovarian Cancer Syndrome (example: Prez-Ibave_2023). To our knowledge, no experimental evidence demonstrating an impact on protein function has been reported. The following publication have been ascertained in the context of this evaluation (PMID: 36833268). ClinVar contains an entry for this variant (Variation ID: 236871). Based on the evidence outlined above, the variant was classified as pathogenic.

Labcorp Genetics (formerly Invitae), Labcorp
Classification: Pathogenic for Hereditary breast ovarian cancer syndrome. Last evaluated: 2024-05-08. Review status: criteria provided, single submitter. Criteria: Invitae Variant Classification Sherloc (09022015). Collection method: clinical testing. Allele origin: germline. Not counted in ClinVar's aggregate classification.
Comment: This sequence change creates a premature translational stop signal (p.Tyr1569*) in the BRCA2 gene. It is expected to result in an absent or disrupted protein product. Loss-of-function variants in BRCA2 are known to be pathogenic (PMID: 20104584). This variant is not present in population databases (gnomAD no frequency). This variant has not been reported in the literature in individuals affected with BRCA2-related conditions. ClinVar contains an entry for this variant (Variation ID: 236871). For these reasons, this variant has been classified as Pathogenic.

Ambry Genetics
Classification: Pathogenic for Hereditary cancer-predisposing syndrome. Last evaluated: 2024-03-15. Review status: criteria provided, single submitter. Criteria: Ambry Variant Classification Scheme 2023. Collection method: clinical testing. Allele origin: germline. Not counted in ClinVar's aggregate classification.
Comment: The p.Y1569* pathogenic mutation (also known as c.4707C>A), located in coding exon 10 of the BRCA2 gene, results from a C to A substitution at nucleotide position 4707. This changes the amino acid from a tyrosine to a stop codon within coding exon 10. This variant is considered to be rare based on population cohorts in the Genome Aggregation Database (gnomAD). This alteration is expected to result in loss of function by premature protein truncation or nonsense-mediated mRNA decay. As such, this alteration is interpreted as a disease-causing mutation.

Quest Diagnostics Nichols Institute San Juan Capistrano
Classification: Likely pathogenic. Last evaluated: 2022-10-18. Review status: criteria provided, single submitter. Criteria: Quest Diagnostics criteria. Collection method: clinical testing. Allele origin: unknown. Not counted in ClinVar's aggregate classification.
Comment: This nonsense variant is predicted to cause the premature termination of BRCA2 protein synthesis. The variant has not been reported in individuals with BRCA2-related diseases in the published literature. It also has not been reported in large, multi-ethnic general populations. Based on the available information, this variant is classified as likely pathogenic.

Literature cited by the submitters: PubMed 36833268 (cited by Women's Health and Genetics/Laboratory Corporation of America, LabCorp); PubMed 20104584 (cited by Labcorp Genetics (formerly Invitae), Labcorp).